The following is an entry in ClinVar:

ClinVar aggregate classification (germline): Uncertain significance (1 of 4 stars; one submission).

Submission:

Ambry Genetics
Classification: Uncertain significance. Last evaluated: 2024-11-15. Review status: criteria provided, single submitter. Criteria: Ambry Variant Classification Scheme 2023. Collection method: clinical testing. Allele origin: germline.
Comment: The p.K288E variant (also known as c.862A>G), located in coding exon 7 of the RINT1 gene, results from an A to G substitution at nucleotide position 862. The lysine at codon 288 is replaced by glutamic acid, an amino acid with similar properties. This amino acid position is conserved. In addition, the in silico prediction for this alteration is inconclusive. Based on the available evidence, the clinical significance of this variant remains unclear.

NM_021930.6(RINT1):c.862A>G (p.Lys288Glu)

Gene: RINT1 (RAD50 interactor 1; plus strand). Cytogenetic location: 7q22.3.
Variant type: single nucleotide variant.
Coding change: c.862A>G on transcript NM_021930.6 (MANE Select); coding-DNA position 862, A replaced by G.
Protein change: p.Lys288Glu; replaces lysine 288 with glutamic acid.
Molecular consequence: missense variant. On other transcripts: 5 prime UTR variant (2), non-coding transcript variant (1), intron variant (1).
Genome position (GRCh38, 1-based): chr7:105,548,576, A>G. VCF-style: chr7-105548576-A-G. GRCh37 (hg19) VCF-style: chr7-105189023-A-G.
Other names: c.628A>G, p.Lys210Glu (NM_001346599.2); c.-158A>G (NM_001346600.2); c.-63A>G (NM_001346601.2); c.-27-1479A>G (NM_001346603.2); short protein forms K288E, K210E.
Identifiers: ClinVar variation 3433651 (VCV003433651.1).